The following is an entry in ClinVar:

ClinVar aggregate classification (germline): Pathogenic/Likely pathogenic. Review status: criteria provided, multiple submitters, no conflicts (2 of 4 stars). 4 submissions from 4 submitters: Pathogenic (2); Likely pathogenic (2). Last evaluated 2025-07-08.

Conditions:
Hereditary cancer-predisposing syndrome. Also called: Hereditary Cancer Syndrome; Hereditary neoplastic syndrome; Neoplastic Syndromes, Hereditary; Tumor predisposition. Identifiers: Orphanet 140162, MedGen C0027672, MeSH D009386, MONDO:0015356.
Hereditary diffuse gastric adenocarcinoma (HDGC). Also called: DIFFUSE GASTRIC AND LOBULAR BREAST CANCER SYNDROME. Identifiers: Orphanet 26106, MedGen C1708349, MONDO:0007648, OMIM 137215.

Submissions (4):

Labcorp Genetics (formerly Invitae), Labcorp
Classification: Pathogenic for Hereditary diffuse gastric adenocarcinoma. Last evaluated: 2025-07-08. Review status: criteria provided, single submitter. Criteria: Invitae Variant Classification Sherloc (09022015). Collection method: clinical testing. Allele origin: germline.
Comment: This sequence change affects a donor splice site in intron 5 of the CDH1 gene. RNA analysis indicates that disruption of this splice site induces altered splicing and likely results in the loss of 14 amino acid residue(s), but is expected to preserve the integrity of the reading-frame. This variant is not present in population databases (gnomAD no frequency). Disruption of this splice site has been observed in individuals with diffuse gastric cancer (PMID: 15235021; internal data). ClinVar contains an entry for this variant (Variation ID: 921686). Studies have shown that disruption of this splice site results in the activation of a cryptic splice site in 5 (internal data). For these reasons, this variant has been classified as Pathogenic.

Ambry Genetics
Classification: Pathogenic for Hereditary cancer-predisposing syndrome. Last evaluated: 2024-05-17. Review status: criteria provided, single submitter. Criteria: Ambry Variant Classification Scheme 2023. Collection method: clinical testing. Allele origin: germline.
Comment: The c.687+1G>C intronic pathogenic mutation results from a G to C substitution one nucleotide after coding exon 5 of the CDH1 gene. This variant has been observed in at least one individual with a personal and/or family history that is consistent with CDH1-related diffuse gastric and lobular breast cancer (DGLBC) (Ambry internal data). This nucleotide position is highly conserved in available vertebrate species. In silico splice site analysis predicts that this alteration will weaken the native splice donor site and will result in the creation or strengthening of a novel splice donor site; however, direct evidence is insufficient at this time (Ambry internal data). Alterations that disrupt the canonical splice site are expected to cause aberrant splicing, resulting in an abnormal protein or a transcript that is subject to nonsense-mediated mRNA decay. As such, this alteration is classified as a disease-causing mutation.

Myriad Genetics, Inc.
Classification: Likely pathogenic for Hereditary diffuse gastric adenocarcinoma. Last evaluated: 2023-03-20. Review status: criteria provided, single submitter. Criteria: Myriad Autosomal Dominant, Autosomal Recessive and X-Linked Classification Criteria (2023). Collection method: clinical testing. Allele origin: unknown.
Comment: This variant is considered likely pathogenic. This variant occurs within a consensus splice junction and is predicted to result in abnormal mRNA splicing of either an out-of-frame exon or an in-frame exon necessary for protein stability and/or normal function.

Color Diagnostics, LLC DBA Color Health
Classification: Likely pathogenic for Hereditary cancer-predisposing syndrome. Last evaluated: 2019-09-30. Review status: criteria provided, single submitter. Criteria: ACMG Guidelines, 2015. Collection method: clinical testing. Allele origin: germline.
Comment: This variant causes a G>C nucleotide substitution at the +1 position of intron 5 of the CDH1 gene. Splice site prediction tools predict that this variant may have a significant impact on RNA splicing. Although this prediction has not been confirmed in published RNA studies, this variant is expected to result in an absent or disrupted protein product. This variant has not been reported in individuals affected with hereditary cancer in the literature. This variant has not been identified in the general population by the Genome Aggregation Database (gnomAD). Different variants affecting the same splice donor site (c.687+1G>A, c.687+1_687+2del) are considered to be disease-causing (ClinVar variation ID: 567608, 483268), suggesting that the reference sequence at this splice site is important for normal RNA splicing. Based on the available evidence, this variant is classified as Likely Pathogenic.

Literature cited by the submitters: PubMed 15235021 (cited by Labcorp Genetics (formerly Invitae), Labcorp).

NM_004360.5(CDH1):c.687+1G>C

Gene: CDH1 (cadherin 1; plus strand). Cytogenetic location: 16q22.1.
Variant type: single nucleotide variant.
Coding change: c.687+1G>C on transcript NM_004360.5 (MANE Select); the canonical splice donor site of the intron after coding-DNA position 687, G replaced by C.
Molecular consequence: splice donor variant.
Genome position (GRCh38, 1-based): chr16:68,808,849, G>C. VCF-style: chr16-68808849-G-C. GRCh37 (hg19) VCF-style: chr16-68842752-G-C.
Other names: c.-929+1G>C (NM_001317185.2); c.-1133+1G>C (NM_001317186.2); c.687+1G>C (NM_001317184.2).
Identifiers: ClinVar variation 921686 (VCV000921686.10), dbSNP rs1567504977, ClinGen allele CA396458163.